The following is an entry in ClinVar:

NM_000133.4(F9):c.808G>T (p.Glu270Ter)

Gene: F9 (coagulation factor IX; plus strand). Cytogenetic location: Xq27.1.
Variant type: single nucleotide variant.
Coding change: c.808G>T on transcript NM_000133.4 (MANE Select); coding-DNA position 808, G replaced by T.
Protein change: p.Glu270Ter; replaces glutamic acid 270 with a stop codon.
Molecular consequence: nonsense.
Genome position (GRCh38, 1-based): chrX:139,560,825, G>T. VCF-style: chrX-139560825-G-T. GRCh37 (hg19) VCF-style: chrX-138642984-G-T.
Other names: c.694G>T, p.Glu232Ter (NM_001313913.2); short protein forms E232*, E270*.
Identifiers: ClinVar variation 4783889 (VCV004783889.2).

ClinVar aggregate classification (germline): Pathogenic. Review status: criteria provided, multiple submitters, no conflicts (2 of 4 stars). 2 submissions from 2 submitters: Pathogenic (2). Last evaluated 2025-11-08.

Conditions:
Hereditary factor IX deficiency disease (HEMB). Also called: F9 DEFICIENCY; FACTOR IX DEFICIENCY; PLASMA THROMBOPLASTIN COMPONENT DEFICIENCY; Hemophilia B; Christmas Disease. Identifiers: Orphanet 98879, MedGen C0008533, MeSH D002836, MONDO:0010604, OMIM 306900.
Thrombophilia, X-linked, due to factor 9 defect. Identifiers: MedGen C2749016, MONDO:0010432, OMIM 300807.

Submissions (2):

Labcorp Genetics (formerly Invitae), Labcorp
Classification: Pathogenic for Thrombophilia, X-linked, due to factor 9 defect; Hereditary factor IX deficiency disease. Last evaluated: 2025-11-08. Review status: criteria provided, single submitter. Criteria: Invitae Variant Classification Sherloc (09022015). Collection method: clinical testing. Allele origin: germline.
Comment: This sequence change creates a premature translational stop signal (p.Glu270*) in the F9 gene. While this is not anticipated to result in nonsense mediated decay, it is expected to disrupt the last 192 amino acid(s) of the F9 protein. This variant is not present in population databases (gnomAD no frequency). This premature translational stop signal has been observed in individuals with hemophilia B (PMID: 8594556; internal data). This variant is also known as G30123T. Algorithms developed to predict the effect of sequence changes on RNA splicing suggest that this variant may disrupt the consensus splice site. This variant disrupts a region of the F9 protein in which other variant(s) (p.Gly280Asp) have been determined to be pathogenic (PMID: 18479429, 22103590). This suggests that this is a clinically significant region of the protein, and that variants that disrupt it are likely to be disease-causing. For these reasons, this variant has been classified as Pathogenic.

North West Genomic Laboratory Hub, Manchester University NHS Foundation Trust
Classification: Pathogenic for Factor IX deficiency. Last evaluated: 2024-10-08. Review status: criteria provided, single submitter. Criteria: ACGS Best Practice Guidelines for Variant Classification in Rare Disease 2024. Collection method: clinical testing. Allele origin: germline. Affected: yes.
Comment: PVS1_Str PS4_Mod PM2_Mod PP4_Mod

Literature cited by the submitters: PubMed 8594556 (cited by Labcorp Genetics (formerly Invitae), Labcorp); PubMed 18479429 (cited by Labcorp Genetics (formerly Invitae), Labcorp); PubMed 22103590 (cited by Labcorp Genetics (formerly Invitae), Labcorp).